The following is an entry in ClinVar:

NM_002878.4(RAD51D):c.152T>C (p.Val51Ala)

Genes: RAD51L3-RFFL (RAD51L3-RFFL readthrough; minus strand), RAD51D (RAD51 paralog D; minus strand). Cytogenetic location: 17q12.
Variant type: single nucleotide variant.
Coding change: c.152T>C on transcript NM_002878.4 (MANE Select); coding-DNA position 152, T replaced by C.
Protein change: p.Val51Ala; replaces valine 51 with alanine.
Molecular consequence: missense variant. On other transcripts: intron variant (2).
Genome position (GRCh38, 1-based): chr17:35,118,612, A>G on the plus strand (T>C on the coding strand, the complement: RAD51D is on the minus strand). VCF-style: chr17-35118612-A-G. GRCh37 (hg19) VCF-style: chr17-33445631-A-G.
Other names: c.144+499T>C (NM_133629.3, NM_001142571.2); short protein forms V51A.
Identifiers: ClinVar variation 410566 (VCV000410566.10), dbSNP rs1060502962, ClinGen allele CA16615615.
Genomic context (GRCh38, chr17:35,118,612, plus strand): 5'-AGATCAGCGCCATTCACGGGGAAAGCCGAGAACTGAGCCAGCAGCACCCGCCTCAGGGCA[A>G]CCAGGGCCTGCCAAAGGGCCCCAGACTGCTCAGCAACAAATTGCCCGTAGAAGCTGGCAT-3'
Protein context (NP_002869.3, residues 41-61): QKCGLSYKAL[Val51Ala]ALRRVLLAQF

ClinVar aggregate classification (germline): Uncertain significance (1 of 4 stars; one submission).

Conditions:
Breast-ovarian cancer, familial, susceptibility to, 4. Identifiers: Orphanet 145, MedGen C3280345, MONDO:0013669, OMIM 614291.

Submission:

Labcorp Genetics (formerly Invitae), Labcorp
Classification: Uncertain significance for Breast-ovarian cancer, familial, susceptibility to, 4. Last evaluated: 2022-02-21. Review status: criteria provided, single submitter. Criteria: Invitae Variant Classification Sherloc (09022015). Collection method: clinical testing. Allele origin: germline.
Comment: In summary, the available evidence is currently insufficient to determine the role of this variant in disease. Therefore, it has been classified as a Variant of Uncertain Significance. This sequence change replaces valine, which is neutral and non-polar, with alanine, which is neutral and non-polar, at codon 51 of the RAD51D protein (p.Val51Ala). This variant is not present in population databases (gnomAD no frequency). This variant has not been reported in the literature in individuals affected with RAD51D-related conditions. ClinVar contains an entry for this variant (Variation ID: 410566). Algorithms developed to predict the effect of missense changes on protein structure and function (SIFT, PolyPhen-2, Align-GVGD) all suggest that this variant is likely to be tolerated.